The following is an entry in ClinVar:

NM_006766.5(KAT6A):c.2798C>G (p.Pro933Arg)

Gene: KAT6A (lysine acetyltransferase 6A; minus strand). Cytogenetic location: 8p11.21.
Variant type: single nucleotide variant.
Coding change: c.2798C>G on transcript NM_006766.5 (MANE Select); coding-DNA position 2798, C replaced by G.
Protein change: p.Pro933Arg; replaces proline 933 with arginine.
Molecular consequence: missense variant.
Genome position (GRCh38, 1-based): chr8:41,941,083, G>C on the plus strand (C>G on the coding strand, the complement: KAT6A is on the minus strand). VCF-style: chr8-41941083-G-C. GRCh37 (hg19) VCF-style: chr8-41798601-G-C.
Other names: short protein forms P933R.
Identifiers: ClinVar variation 1957517 (VCV001957517.6), dbSNP rs1476909257, ClinGen allele CA371071634.
Genomic context (GRCh38, chr8:41,941,083, plus strand): 5'-TTCTTGAGCTGTCCTCGCCAGGGCTCAACCCCCTCACTGAGTCTTCTCTTGGGAAGGTCA[G>C]GTTTCCCGTCCTGGCTTGGCTGCTCCTCAGAAGCCACCAGCTGTTCTTCACTTTCAGTGT-3'
Protein context (NP_006757.2, residues 923-943): SEEQPSQDGK[Pro933Arg]DLPKRRLSEG

ClinVar aggregate classification (germline): Uncertain significance. Review status: criteria provided, multiple submitters, no conflicts (2 of 4 stars). 2 submissions from 2 submitters: Uncertain significance (2). Last evaluated 2022-08-05.

gnomAD v4.1: 1 of 1,614,196 alleles (0.000062%); highest among the groups gnomAD compares: Middle Eastern, 0.016%; no homozygotes.

Submissions (2):

Labcorp Genetics (formerly Invitae), Labcorp
Classification: Uncertain significance. Last evaluated: 2022-08-05. Review status: criteria provided, single submitter. Criteria: Invitae Variant Classification Sherloc (09022015). Collection method: clinical testing. Allele origin: germline.
Comment: In summary, the available evidence is currently insufficient to determine the role of this variant in disease. Therefore, it has been classified as a Variant of Uncertain Significance. Algorithms developed to predict the effect of missense changes on protein structure and function are either unavailable or do not agree on the potential impact of this missense change (SIFT: "Deleterious"; PolyPhen-2: "Benign"; Align-GVGD: "Class C0"). This variant has not been reported in the literature in individuals affected with KAT6A-related conditions. This variant is not present in population databases (gnomAD no frequency). This sequence change replaces proline, which is neutral and non-polar, with arginine, which is basic and polar, at codon 933 of the KAT6A protein (p.Pro933Arg).

Blueprint Genetics
Classification: Uncertain significance. Last evaluated: 2021-08-15. Review status: criteria provided, single submitter. Criteria: ACMG Guidelines, 2015. Collection method: clinical testing. Allele origin: germline.